The following is an entry in ClinVar:

ClinVar aggregate classification (germline): Uncertain significance (1 of 4 stars; one submission).

Conditions:
ALG12-congenital disorder of glycosylation (CDG1G). Also called: Congenital disorder of glycosylation, type Ig; ALG12-CDG; CDG Ig. Identifiers: Orphanet 79324, MedGen C2931001, MONDO:0011783, OMIM 607143.

Submission:

Labcorp Genetics (formerly Invitae), Labcorp
Classification: Uncertain significance for ALG12-congenital disorder of glycosylation. Last evaluated: 2024-10-22. Review status: criteria provided, single submitter. Criteria: Invitae Variant Classification Sherloc (09022015). Collection method: clinical testing. Allele origin: germline.
Comment: This sequence change replaces glycine, which is neutral and non-polar, with aspartic acid, which is acidic and polar, at codon 282 of the ALG12 protein (p.Gly282Asp). This variant is not present in population databases (gnomAD no frequency). This variant has not been reported in the literature in individuals affected with ALG12-related conditions. ClinVar contains an entry for this variant (Variation ID: 1506179). Invitae Evidence Modeling of protein sequence and biophysical properties (such as structural, functional, and spatial information, amino acid conservation, physicochemical variation, residue mobility, and thermodynamic stability) has been performed for this missense variant. However, the output from this modeling did not meet the statistical confidence thresholds required to predict the impact of this variant on ALG12 protein function. In summary, the available evidence is currently insufficient to determine the role of this variant in disease. Therefore, it has been classified as a Variant of Uncertain Significance.

NM_024105.4(ALG12):c.845G>A (p.Gly282Asp)

Gene: ALG12 (ALG12 alpha-1,6-mannosyltransferase; minus strand). Cytogenetic location: 22q13.33.
Variant type: single nucleotide variant.
Coding change: c.845G>A on transcript NM_024105.4 (MANE Select); coding-DNA position 845, G replaced by A.
Protein change: p.Gly282Asp; replaces glycine 282 with aspartic acid.
Molecular consequence: missense variant.
Genome position (GRCh38, 1-based): chr22:49,907,868, C>T on the plus strand (G>A on the coding strand, the complement: ALG12 is on the minus strand). VCF-style: chr22-49907868-C-T. GRCh37 (hg19) VCF-style: chr22-50301516-C-T.
Other names: short protein forms G282D.
Identifiers: ClinVar variation 1506179 (VCV001506179.8), dbSNP rs2147585166, ClinGen allele CA412073778.